The following is an entry in ClinVar:

ClinVar aggregate classification (germline): Uncertain significance (1 of 4 stars; one submission).

gnomAD v4.1: 2 of 1,614,196 alleles (0.00012%); highest among the groups gnomAD compares: Non-Finnish European, 0.00017%; no homozygotes.

Submission:

Dasa
Classification: Uncertain significance. Last evaluated: 2025-10-09. Review status: criteria provided, single submitter. Criteria: DASA Assertion Criteria. Collection method: clinical testing. Allele origin: germline.
Comment: NM_001372066.1(TFAP2A):c.641G>A (p.Cys214Tyr) is a missense variant that results in the substitution of cysteine with tyrosine. The affected residue or protein region has prior evidence supporting clinical relevance. This variant is rare in population databases. Computational prediction algorithms are consistent with a deleterious effect. The currently available literature and clinical evidence are not sufficient to establish a definitive association between this variant and the reported condition. Therefore, this variant is classified as a variant of uncertain significance.

NM_001372066.1(TFAP2A):c.641G>A (p.Cys214Tyr)

Genes: TFAP2A (transcription factor AP-2 alpha; minus strand), TFAP2A-AS2 (TFAP2A antisense RNA 2; plus strand), LOC121740638 (BRD4-independent group 4 enhancer GRCh37_chr6:10403277-10404476; plus strand). Cytogenetic location: 6p24.3.
Variant type: single nucleotide variant.
Coding change: c.641G>A on transcript NM_001372066.1 (MANE Select); coding-DNA position 641, G replaced by A.
Protein change: p.Cys214Tyr; replaces cysteine 214 with tyrosine.
Molecular consequence: missense variant. On other transcripts: non-coding transcript variant (1).
Genome position (GRCh38, 1-based): chr6:10,404,637, C>T on the plus strand (G>A on the coding strand, the complement: TFAP2A is on the minus strand). VCF-style: chr6-10404637-C-T. GRCh37 (hg19) VCF-style: chr6-10404870-C-T.
Other names: c.617G>A, p.Cys206Tyr (NM_001032280.3); c.623G>A, p.Cys208Tyr (NM_001042425.3); short protein forms C206Y, C208Y, C214Y.
Identifiers: ClinVar variation 4881158 (VCV004881158.2).